The following is an entry in ClinVar:

NM_001378615.1(CC2D2A):c.3744G>T (p.Leu1248=)

Genes: CC2D2A (coiled-coil and C2 domain containing 2A; plus strand), FBXL5 (F-box and leucine rich repeat protein 5; minus strand). Cytogenetic location: 4p15.32.
Variant type: single nucleotide variant.
Coding change: c.3744G>T on transcript NM_001378615.1 (MANE Select); coding-DNA position 3744, G replaced by T.
Protein change: p.Leu1248=; no amino-acid change (leucine 1248 retained).
Molecular consequence: synonymous variant.
Genome position (GRCh38, 1-based): chr4:15,574,299, G>T. VCF-style: chr4-15574299-G-T. GRCh37 (hg19) VCF-style: chr4-15575922-G-T.
Other names: c.3744G>T, p.Leu1248= (NM_001080522.2); c.3597G>T, p.Leu1199= (NM_001378617.1).
Identifiers: ClinVar variation 384474 (VCV000384474.19), dbSNP rs755747140, ClinGen allele CA2864224.

ClinVar aggregate classification (germline): Likely benign. Review status: criteria provided, multiple submitters, no conflicts (2 of 4 stars). 4 submissions from 4 submitters: Likely benign (3). 1 of the submissions does not count toward it. Last evaluated 2026-03-01.

Conditions:
CC2D2A-related disorder. Also called: CC2D2A-related disorders; CC2D2A-related condition. Identifiers: MedGen CN239313.
Meckel-Gruber syndrome. Also called: Dysencephalia splachnocystica; DYSENCEPHALIA SPLANCHNOCYSTICA; GRUBER SYNDROME. Identifiers: Orphanet 564, MedGen C0265215, MONDO:0018921.
Joubert syndrome. Also called: JOUBERT-BOLTSHAUSER SYNDROME; Familial aplasia of the vermis. Identifiers: Orphanet 475, MedGen C5979921, MONDO:0018772.

Allele frequency attached by ClinVar (database versions not stated): gnomAD exomes 0.00003; ExAC 0.00005; TOPMed 0.00005; gnomAD 0.00013.
gnomAD v4.1: 49 of 1,550,266 alleles (0.0032%); highest among the groups gnomAD compares: Middle Eastern, 0.017%; no homozygotes.

Submissions (4):

CeGaT Center for Human Genetics Tuebingen
Classification: Likely benign. Last evaluated: 2026-03-01. Review status: criteria provided, single submitter. Criteria: CeGaT Center For Human Genetics Tuebingen Variant Classification Criteria Version 2. Collection method: clinical testing. Allele origin: germline. Affected: yes. Observed: 1 variant allele.
Comment: CC2D2A: BP4, BP7

Labcorp Genetics (formerly Invitae), Labcorp
Classification: Likely benign for Joubert syndrome; Meckel-Gruber syndrome. Last evaluated: 2025-12-31. Review status: criteria provided, single submitter. Criteria: Invitae Variant Classification Sherloc (09022015). Collection method: clinical testing. Allele origin: germline.

GeneDx
Classification: Likely benign. Last evaluated: 2018-11-27. Review status: criteria provided, single submitter. Criteria: GeneDx Variant Classification Process June 2021. Collection method: clinical testing. Allele origin: germline. Affected: yes.

PreventionGenetics, part of Exact Sciences
Classification: Likely benign for CC2D2A-related condition. Last evaluated: 2022-12-28. Review status: no assertion criteria provided. Collection method: clinical testing. Allele origin: germline. Not counted in ClinVar's aggregate classification.
Comment: This variant is classified as likely benign based on ACMG/AMP sequence variant interpretation guidelines (Richards et al. 2015 PMID: 25741868, with internal and published modifications).